The following is an entry in ClinVar:

ClinVar aggregate classification (germline): Pathogenic/Likely pathogenic. Review status: criteria provided, multiple submitters, no conflicts (2 of 4 stars). 2 submissions from 2 submitters: Pathogenic (1); Likely pathogenic (1). Last evaluated 2024-03-13.

Conditions:
Werner syndrome (WRN). Identifiers: Orphanet 902, MedGen C0043119, MONDO:0010196, OMIM 277700.

Allele frequency attached by ClinVar (database versions not stated): gnomAD exomes below 0.00001; ExAC 0.00001.
gnomAD v4.1: 1 of 1,609,420 alleles (0.000062%); highest among the groups gnomAD compares: South Asian, 0.0011%; no homozygotes.

Submissions (2):

Baylor Genetics
Classification: Likely pathogenic for Werner syndrome. Last evaluated: 2024-03-13. Review status: criteria provided, single submitter. Criteria: ACMG Guidelines, 2015. Collection method: clinical testing. Allele origin: unknown.

Labcorp Genetics (formerly Invitae), Labcorp
Classification: Pathogenic for Werner syndrome. Last evaluated: 2018-05-24. Review status: criteria provided, single submitter. Criteria: Invitae Variant Classification Sherloc (09022015). Collection method: clinical testing. Allele origin: germline.
Comment: This sequence change creates a premature translational stop signal (p.Gln582*) in the WRN gene. It is expected to result in an absent or disrupted protein product. This variant is present in population databases (rs757808169, ExAC 0.006%). This variant has not been reported in the literature in individuals with WRN-related disease. Loss-of-function variants in WRN are known to be pathogenic (PMID: 16673358). For these reasons, this variant has been classified as Pathogenic.

Literature cited by the submitters: PubMed 16673358 (cited by Labcorp Genetics (formerly Invitae), Labcorp).

NM_000553.6(WRN):c.1744C>T (p.Gln582Ter)

Gene: WRN (WRN RecQ like helicase; plus strand). Cytogenetic location: 8p12.
Variant type: single nucleotide variant.
Coding change: c.1744C>T on transcript NM_000553.6 (MANE Select); coding-DNA position 1744, C replaced by T.
Protein change: p.Gln582Ter; replaces glutamine 582 with a stop codon.
Molecular consequence: nonsense.
Genome position (GRCh38, 1-based): chr8:31,090,857, C>T. VCF-style: chr8-31090857-C-T. GRCh37 (hg19) VCF-style: chr8-30948373-C-T.
Other names: short protein forms Q582*.
Identifiers: ClinVar variation 568746 (VCV000568746.7), dbSNP rs757808169, ClinGen allele CA4704477.